The following is an entry in ClinVar:

NM_014629.4(ARHGEF10):c.3911G>C (p.Ser1304Thr)

Gene: ARHGEF10 (Rho guanine nucleotide exchange factor 10; plus strand). Cytogenetic location: 8p23.3.
Variant type: single nucleotide variant.
Coding change: c.3911G>C on transcript NM_014629.4 (MANE Select); coding-DNA position 3911, G replaced by C.
Protein change: p.Ser1304Thr; replaces serine 1304 with threonine.
Molecular consequence: missense variant.
Genome position (GRCh38, 1-based): chr8:1,957,139, G>C. VCF-style: chr8-1957139-G-C. GRCh37 (hg19) VCF-style: chr8-1905305-G-C.
Other names: c.3797G>C, p.Ser1266Thr (NM_001308152.2); c.3911G>C, p.Ser1304Thr (NM_001308153.3); c.3914G>C, p.Ser1305Thr (NM_001438091.1); c.3794G>C, p.Ser1265Thr (NM_001438092.1, NM_001438093.1); c.3674G>C, p.Ser1225Thr (NM_001438094.1); short protein forms S1266T, S1304T, S1225T, S1265T, S1328T, S1305T.
Identifiers: ClinVar variation 4754486 (VCV004754486.1).

ClinVar aggregate classification (germline): Uncertain significance (1 of 4 stars; one submission).

gnomAD v4.1: 44 of 1,612,798 alleles (0.0027%); highest among the groups gnomAD compares: Non-Finnish European, 0.0036%; no homozygotes.

Submission:

Labcorp Genetics (formerly Invitae), Labcorp
Classification: Uncertain significance. Last evaluated: 2026-01-06. Review status: criteria provided, single submitter. Criteria: Invitae Variant Classification Sherloc (09022015). Collection method: clinical testing. Allele origin: germline.
Comment: This sequence change replaces serine, which is neutral and polar, with threonine, which is neutral and polar, at codon 1304 of the ARHGEF10 protein (p.Ser1304Thr). This variant is present in population databases (rs767087591, gnomAD 0.004%). This variant has not been reported in the literature in individuals affected with ARHGEF10-related conditions. Invitae Evidence Modeling of protein sequence and biophysical properties (such as structural, functional, and spatial information, amino acid conservation, physicochemical variation, residue mobility, and thermodynamic stability) indicates that this missense variant is not expected to disrupt ARHGEF10 protein function with a negative predictive value of 80%. In summary, the available evidence is currently insufficient to determine the role of this variant in disease. Therefore, it has been classified as a Variant of Uncertain Significance.